The following is an entry in ClinVar:

NM_182972.3(IRF2BP2):c.575T>C (p.Met192Thr)

Gene: IRF2BP2 (interferon regulatory factor 2 binding protein 2; minus strand). Cytogenetic location: 1q42.3.
Variant type: single nucleotide variant.
Coding change: c.575T>C on transcript NM_182972.3 (MANE Select); coding-DNA position 575, T replaced by C.
Protein change: p.Met192Thr; replaces methionine 192 with threonine.
Molecular consequence: missense variant.
Genome position (GRCh38, 1-based): chr1:234,608,920, A>G on the plus strand (T>C on the coding strand, the complement: IRF2BP2 is on the minus strand). VCF-style: chr1-234608920-A-G. GRCh37 (hg19) VCF-style: chr1-234744666-A-G.
Other names: c.575T>C, p.Met192Thr (NM_001077397.1); short protein forms M192T.
Identifiers: ClinVar variation 2816747 (VCV002816747.3), dbSNP rs2528521265, ClinGen allele CA345309561.

ClinVar aggregate classification (germline): Uncertain significance (1 of 4 stars; one submission).

Submission:

Labcorp Genetics (formerly Invitae), Labcorp
Classification: Uncertain significance. Last evaluated: 2023-01-01. Review status: criteria provided, single submitter. Criteria: Invitae Variant Classification Sherloc (09022015). Collection method: clinical testing. Allele origin: germline.
Comment: In summary, the available evidence is currently insufficient to determine the role of this variant in disease. Therefore, it has been classified as a Variant of Uncertain Significance. Algorithms developed to predict the effect of missense changes on protein structure and function (SIFT, PolyPhen-2, Align-GVGD) all suggest that this variant is likely to be tolerated. This variant has not been reported in the literature in individuals affected with IRF2BP2-related conditions. This variant is not present in population databases (gnomAD no frequency). This sequence change replaces methionine, which is neutral and non-polar, with threonine, which is neutral and polar, at codon 192 of the IRF2BP2 protein (p.Met192Thr).